The following is an entry in ClinVar:

NM_003719.5(PDE8B):c.1772A>G (p.Asn591Ser)

Gene: PDE8B (phosphodiesterase 8B; plus strand). Cytogenetic location: 5q13.3.
Variant type: single nucleotide variant.
Coding change: c.1772A>G on transcript NM_003719.5 (MANE Select); coding-DNA position 1772, A replaced by G.
Protein change: p.Asn591Ser; replaces asparagine 591 with serine.
Molecular consequence: missense variant.
Genome position (GRCh38, 1-based): chr5:77,413,170, A>G. VCF-style: chr5-77413170-A-G. GRCh37 (hg19) VCF-style: chr5-76708995-A-G.
Other names: c.1481A>G, p.Asn494Ser (NM_001029851.4); c.1607A>G, p.Asn536Ser (NM_001029852.4); c.1712A>G, p.Asn571Ser (NM_001029853.4); c.1631A>G, p.Asn544Ser (NM_001029854.4); c.1769A>G, p.Asn590Ser (NM_001349748.3, NM_001349751.3); c.1835A>G, p.Asn612Ser (NM_001349749.3); c.1532A>G, p.Asn511Ser (NM_001349750.3); c.1466A>G, p.Asn489Ser (NM_001349752.3); and 12 more; short protein forms N373S, N443S, N490S, N544S, N612S, N489S, N493S, N494S.
Identifiers: ClinVar variation 4777115 (VCV004777115.1).
Genomic context (GRCh38, chr5:77,413,170, plus strand): 5'-GGCCATTGGTTTATCTGGGCTTAAAGGTCTTCTCTCGGTTTGGAGTATGTGAATTTTTAA[A>G]CTGTTCTGAAACCACTCTTCGGGCCTGGTTCCAAGTGATCGAAGCCAACTACCACTCTTC-3'
Protein context (NP_003710.1, residues 581-601): FSRFGVCEFL[Asn591Ser]CSETTLRAWF

ClinVar aggregate classification (germline): Uncertain significance (1 of 4 stars; one submission).

gnomAD v4.1: 4 of 1,614,042 alleles (0.00025%); highest among the groups gnomAD compares: Non-Finnish European, 0.00034%; no homozygotes.

Submission:

Labcorp Genetics (formerly Invitae), Labcorp
Classification: Uncertain significance. Last evaluated: 2026-01-07. Review status: criteria provided, single submitter. Criteria: Invitae Variant Classification Sherloc (09022015). Collection method: clinical testing. Allele origin: germline.
Comment: This sequence change replaces asparagine, which is neutral and polar, with serine, which is neutral and polar, at codon 591 of the PDE8B protein (p.Asn591Ser). This variant is not present in population databases (gnomAD no frequency). This variant has not been reported in the literature in individuals affected with PDE8B-related conditions. An algorithm developed to predict the effect of missense changes on protein structure and function (PolyPhen-2) suggests that this variant is likely to be tolerated. In summary, the available evidence is currently insufficient to determine the role of this variant in disease. Therefore, it has been classified as a Variant of Uncertain Significance.